The following is an entry in ClinVar:

ClinVar aggregate classification (germline): Uncertain significance (1 of 4 stars; one submission).

Allele frequency attached by ClinVar (database versions not stated): gnomAD exomes 0.00001 and 0.00002; ExAC 0.00002; TOPMed 0.00002; gnomAD 0.00003.
gnomAD v4.1: 21 of 1,613,900 alleles (0.0013%); highest among the groups gnomAD compares: Middle Eastern, 0.016%; no homozygotes.

Submission:

Labcorp Genetics (formerly Invitae), Labcorp
Classification: Uncertain significance. Last evaluated: 2021-08-31. Review status: criteria provided, single submitter. Criteria: Invitae Variant Classification Sherloc (09022015). Collection method: clinical testing. Allele origin: germline.
Comment: This sequence change replaces glycine with serine at codon 320 of the MCM4 protein (p.Gly320Ser). The glycine residue is highly conserved and there is a small physicochemical difference between glycine and serine. This variant is present in population databases (rs777620761, ExAC 0.02%). This variant has not been reported in the literature in individuals affected with MCM4-related conditions. Algorithms developed to predict the effect of missense changes on protein structure and function (SIFT, PolyPhen-2, Align-GVGD) all suggest that this variant is likely to be disruptive. In summary, the available evidence is currently insufficient to determine the role of this variant in disease. Therefore, it has been classified as a Variant of Uncertain Significance.

NM_182746.3(MCM4):c.958G>A (p.Gly320Ser)

Gene: MCM4 (minichromosome maintenance complex component 4; plus strand). Cytogenetic location: 8q11.21.
Variant type: single nucleotide variant.
Coding change: c.958G>A on transcript NM_182746.3 (MANE Select); coding-DNA position 958, G replaced by A.
Protein change: p.Gly320Ser; replaces glycine 320 with serine.
Molecular consequence: missense variant.
Genome position (GRCh38, 1-based): chr8:47,966,312, G>A. VCF-style: chr8-47966312-G-A. GRCh37 (hg19) VCF-style: chr8-48878872-G-A.
Other names: c.958G>A, p.Gly320Ser (NM_005914.4); short protein forms G320S.
Identifiers: ClinVar variation 1510749 (VCV001510749.5), dbSNP rs777620761, ClinGen allele CA4742474.